The following is an entry in ClinVar:

ClinVar aggregate classification (germline): Uncertain significance (1 of 4 stars; one submission).

gnomAD v4.1: 3 of 1,605,542 alleles (0.00019%); highest among the groups gnomAD compares: South Asian, 0.0022%; no homozygotes.

Submission:

Labcorp Genetics (formerly Invitae), Labcorp
Classification: Uncertain significance. Last evaluated: 2025-12-11. Review status: criteria provided, single submitter. Criteria: Invitae Variant Classification Sherloc (09022015). Collection method: clinical testing. Allele origin: germline.
Comment: This sequence change replaces aspartic acid, which is acidic and polar, with tyrosine, which is neutral and polar, at codon 281 of the NAF1 protein (p.Asp281Tyr). This variant is present in population databases (rs191160551, gnomAD 0.007%). This variant has not been reported in the literature in individuals affected with NAF1-related conditions. An algorithm developed to predict the effect of missense changes on protein structure and function (PolyPhen-2) suggests that this variant is likely to be disruptive. In summary, the available evidence is currently insufficient to determine the role of this variant in disease. Therefore, it has been classified as a Variant of Uncertain Significance.

NM_138386.3(NAF1):c.841G>T (p.Asp281Tyr)

Gene: NAF1 (nuclear assembly factor 1 ribonucleoprotein; minus strand). Cytogenetic location: 4q32.2.
Variant type: single nucleotide variant.
Coding change: c.841G>T on transcript NM_138386.3 (MANE Select); coding-DNA position 841, G replaced by T.
Protein change: p.Asp281Tyr; replaces aspartic acid 281 with tyrosine.
Molecular consequence: missense variant.
Genome position (GRCh38, 1-based): chr4:163,140,260, C>A on the plus strand (G>T on the coding strand, the complement: NAF1 is on the minus strand). VCF-style: chr4-163140260-C-A. GRCh37 (hg19) VCF-style: chr4-164061412-C-A.
Other names: c.841G>T, p.Asp281Tyr (NM_001128931.2); short protein forms D281Y.
Identifiers: ClinVar variation 4761954 (VCV004761954.1).